The following is an entry in ClinVar:

ClinVar aggregate classification (germline): Uncertain significance (1 of 4 stars; one submission).

gnomAD v4.1: 1 of 1,614,218 alleles (0.000062%); highest among the groups gnomAD compares: Non-Finnish European, 0.000085%; no homozygotes.

Submission:

Labcorp Genetics (formerly Invitae), Labcorp
Classification: Uncertain significance. Last evaluated: 2025-06-01. Review status: criteria provided, single submitter. Criteria: Invitae Variant Classification Sherloc (09022015). Collection method: clinical testing. Allele origin: germline.
Comment: This sequence change replaces proline, which is neutral and non-polar, with arginine, which is basic and polar, at codon 1147 of the COL2A1 protein (p.Pro1147Arg). This variant is not present in population databases (gnomAD no frequency). This variant has not been reported in the literature in individuals affected with COL2A1-related conditions. Invitae Evidence Modeling of protein sequence and biophysical properties (such as structural, functional, and spatial information, amino acid conservation, physicochemical variation, residue mobility, and thermodynamic stability) has been performed for this missense variant. However, the output from this modeling did not meet the statistical confidence thresholds required to predict the impact of this variant on COL2A1 protein function. In summary, the available evidence is currently insufficient to determine the role of this variant in disease. Therefore, it has been classified as a Variant of Uncertain Significance.

NM_001844.5(COL2A1):c.3440C>G (p.Pro1147Arg)

Gene: COL2A1 (collagen type II alpha 1 chain; minus strand). Cytogenetic location: 12q13.11.
Variant type: single nucleotide variant.
Coding change: c.3440C>G on transcript NM_001844.5 (MANE Select); coding-DNA position 3440, C replaced by G.
Protein change: p.Pro1147Arg; replaces proline 1147 with arginine.
Molecular consequence: missense variant.
Genome position (GRCh38, 1-based): chr12:47,976,563, G>C on the plus strand (C>G on the coding strand, the complement: COL2A1 is on the minus strand). VCF-style: chr12-47976563-G-C. GRCh37 (hg19) VCF-style: chr12-48370346-G-C.
Other names: c.3233C>G, p.Pro1078Arg (NM_033150.3); short protein forms P1078R, P1147R.
Identifiers: ClinVar variation 4747049 (VCV004747049.1).